The following is an entry in ClinVar:

ClinVar aggregate classification (germline): Uncertain significance. Review status: criteria provided, multiple submitters, no conflicts (2 of 4 stars). 2 submissions from 2 submitters: Uncertain significance (2). Last evaluated 2022-12-07.

Allele frequency attached by ClinVar (database versions not stated): TOPMed below 0.00001; ExAC 0.00001; gnomAD 0.00001.
gnomAD v4.1: 7 of 1,601,694 alleles (0.00044%); highest among the groups gnomAD compares: Admixed American, 0.0017%; no homozygotes.

Submissions (2):

Labcorp Genetics (formerly Invitae), Labcorp
Classification: Uncertain significance. Last evaluated: 2022-12-07. Review status: criteria provided, single submitter. Criteria: Invitae Variant Classification Sherloc (09022015). Collection method: clinical testing. Allele origin: germline.
Comment: In summary, the available evidence is currently insufficient to determine the role of this variant in disease. Therefore, it has been classified as a Variant of Uncertain Significance. Advanced modeling of protein sequence and biophysical properties (such as structural, functional, and spatial information, amino acid conservation, physicochemical variation, residue mobility, and thermodynamic stability) performed at Invitae indicates that this missense variant is not expected to disrupt PITPNM3 protein function. This variant has not been reported in the literature in individuals affected with PITPNM3-related conditions. This variant is present in population databases (rs762714529, gnomAD 0.003%). This sequence change replaces serine, which is neutral and polar, with leucine, which is neutral and non-polar, at codon 899 of the PITPNM3 protein (p.Ser899Leu).

Blueprint Genetics
Classification: Uncertain significance. Last evaluated: 2022-06-27. Review status: criteria provided, single submitter. Criteria: ACMG Guidelines, 2015. Collection method: clinical testing. Allele origin: germline.

NM_031220.4(PITPNM3):c.2696C>T (p.Ser899Leu)

Gene: PITPNM3 (PITPNM family member 3; minus strand). Cytogenetic location: 17p13.2.
Variant type: single nucleotide variant.
Coding change: c.2696C>T on transcript NM_031220.4 (MANE Select); coding-DNA position 2696, C replaced by T.
Protein change: p.Ser899Leu; replaces serine 899 with leucine.
Molecular consequence: missense variant.
Genome position (GRCh38, 1-based): chr17:6,455,567, G>A on the plus strand (C>T on the coding strand, the complement: PITPNM3 is on the minus strand). VCF-style: chr17-6455567-G-A. GRCh37 (hg19) VCF-style: chr17-6358887-G-A.
Other names: c.2588C>T, p.Ser863Leu (NM_001165966.2); short protein forms S899L, S863L.
Identifiers: ClinVar variation 2126638 (VCV002126638.5), dbSNP rs762714529, ClinGen allele CA8329043.